The following is an entry in ClinVar:

NM_001393769.1(MED12L):c.5437A>G (p.Ser1813Gly)

Gene: MED12L (mediator complex subunit 12L; plus strand). Cytogenetic location: 3q25.1.
Variant type: single nucleotide variant.
Coding change: c.5437A>G on transcript NM_001393769.1 (MANE Select); coding-DNA position 5437, A replaced by G.
Protein change: p.Ser1813Gly; replaces serine 1813 with glycine.
Molecular consequence: missense variant.
Genome position (GRCh38, 1-based): chr3:151,388,158, A>G. VCF-style: chr3-151388158-A-G. GRCh37 (hg19) VCF-style: chr3-151105946-A-G.
Other names: c.5332A>G, p.Ser1778Gly (NM_053002.6); short protein forms S1778G, S1813G.
Identifiers: ClinVar variation 4532446 (VCV004532446.1).

ClinVar aggregate classification (germline): Uncertain significance (1 of 4 stars; one submission).

gnomAD v4.1: 1 of 1,600,458 alleles (0.000062%); highest among the groups gnomAD compares: African/African-American, 0.0013%; no homozygotes.

Submission:

GeneDx
Classification: Uncertain significance. Last evaluated: 2025-05-28. Review status: criteria provided, single submitter. Criteria: GeneDx Variant Classification Process June 2021. Collection method: clinical testing. Allele origin: germline. Affected: yes.
Comment: Not observed at significant frequency in large population cohorts (gnomAD); In silico analysis suggests that this missense variant does not alter protein structure/function; Has not been previously published as pathogenic or benign to our knowledge